The following is an entry in ClinVar:

NM_001370785.2(LRRC7):c.2720G>C (p.Ser907Thr)

Genes: LRRC7 (leucine rich repeat containing 7; plus strand), LRRC7-AS1 (LRRC7 antisense RNA 1; minus strand). Cytogenetic location: 1p31.1.
Variant type: single nucleotide variant.
Coding change: c.2720G>C on transcript NM_001370785.2 (MANE Select); coding-DNA position 2720, G replaced by C.
Protein change: p.Ser907Thr; replaces serine 907 with threonine.
Molecular consequence: missense variant. On other transcripts: non-coding transcript variant (1).
Genome position (GRCh38, 1-based): chr1:70,038,544, G>C. VCF-style: chr1-70038544-G-C. GRCh37 (hg19) VCF-style: chr1-70504227-G-C.
Other names: c.2621G>C, p.Ser874Thr (NM_001330635.3, NM_001366841.1); c.2723G>C, p.Ser908Thr (NM_001350216.3); c.2720G>C, p.Ser907Thr (NM_001366838.3); c.2561G>C, p.Ser854Thr (NM_001366839.3); short protein forms S854T, S874T, S907T, S908T.
Identifiers: ClinVar variation 4818949 (VCV004818949.1).
Genomic context (GRCh38, chr1:70,038,544, plus strand): 5'-CTAGTCCGTTTGAAGACAGGACCGCTTTTCCTTCCAAATTAGAGACAACCCCCACTACCA[G>C]CCCATTGCCTGAAAGGAAAGAACATATAAAGGAATCTACTGAAATACCTAGTCCTTTTTC-3'
Protein context (NP_001357714.1, residues 897-917): PSKLETTPTT[Ser907Thr]PLPERKEHIK

ClinVar aggregate classification (germline): Uncertain significance (1 of 4 stars; one submission).

Conditions:
Intellectual developmental disorder, autosomal dominant 77. Identifiers: MedGen C6065930, MONDO:0980748, OMIM 621415.

Submission:

Victorian Clinical Genetics Services, Murdoch Childrens Research Institute
Classification: Uncertain significance for Intellectual developmental disorder, autosomal dominant 77. Last evaluated: 2025-12-17. Review status: criteria provided, single submitter. Criteria: ACMG Guidelines, 2015. Collection method: clinical testing. Allele origin: germline. Affected: yes.
Comment: This variant is classified as VUS-3B. Evidence in support of pathogenic classification: Variant is absent from gnomAD (v2, v3 and v4). Additional information: Variant is predicted to result in a missense amino acid change from Ser to Thr; This variant is heterozygous; This gene is associated with autosomal dominant disease; Alternative amino acid change(s) at the same position are present in gnomAD (highest allele count: v4: 1 heterozygote(s), 0 homozygote(s)); This variant has no previous evidence of pathogenicity; No published evidence of segregation with disease has been identified for this variant; No published functional evidence has been identified for this variant; No comparable missense variants have previous evidence for pathogenicity; Variant is not located in an established domain, motif, hotspot or informative constraint region; Missense variant with inconclusive in silico prediction and/or uninformative conservation; Loss of function is a known mechanism of disease in this gene and is associated with intellectual developmental disorder, autosomal dominant 77 (MIM#621415); The condition associated with this gene has incomplete penetrance. Inheritance from unaffected parents has been reported (PMID: 39256359); Inheritance information for this variant is not currently available in this individual.

Literature cited by the submitters: PubMed 39256359.